The following is an entry in ClinVar:

ClinVar aggregate classification (germline): Uncertain significance. Review status: criteria provided, multiple submitters, no conflicts (2 of 4 stars). 2 submissions from 2 submitters: Uncertain significance (2). Last evaluated 2025-04-17.

Conditions:
Inborn genetic diseases. Identifiers: MedGen C0950123, MeSH D030342.

Allele frequency attached by ClinVar (database versions not stated): gnomAD exomes below 0.00001 and 0.00001; ExAC 0.00003.
gnomAD v4.1: 2 of 1,211,825 alleles (0.00017%); highest among the groups gnomAD compares: Non-Finnish European, 0.00022%; no homozygotes.

Submissions (2):

Ambry Genetics
Classification: Uncertain significance for Inborn genetic diseases. Last evaluated: 2025-04-17. Review status: criteria provided, single submitter. Criteria: Ambry Variant Classification Scheme 2023. Collection method: clinical testing. Allele origin: germline.

Labcorp Genetics (formerly Invitae), Labcorp
Classification: Uncertain significance. Last evaluated: 2022-10-13. Review status: criteria provided, single submitter. Criteria: Invitae Variant Classification Sherloc (09022015). Collection method: clinical testing. Allele origin: germline.
Comment: This sequence change replaces methionine, which is neutral and non-polar, with isoleucine, which is neutral and non-polar, at codon 320 of the CACNA1F protein (p.Met320Ile). This variant is present in population databases (rs782531308, gnomAD 0.003%). This variant has not been reported in the literature in individuals affected with CACNA1F-related conditions. ClinVar contains an entry for this variant (Variation ID: 862233). Advanced modeling of protein sequence and biophysical properties (such as structural, functional, and spatial information, amino acid conservation, physicochemical variation, residue mobility, and thermodynamic stability) performed at Invitae indicates that this missense variant is not expected to disrupt CACNA1F protein function. In summary, the available evidence is currently insufficient to determine the role of this variant in disease. Therefore, it has been classified as a Variant of Uncertain Significance.

NM_001256789.3(CACNA1F):c.960G>A (p.Met320Ile)

Gene: CACNA1F (calcium voltage-gated channel subunit alpha1 F; minus strand). Cytogenetic location: Xp11.23.
Variant type: single nucleotide variant.
Coding change: c.960G>A on transcript NM_001256789.3 (MANE Select); coding-DNA position 960, G replaced by A.
Protein change: p.Met320Ile; replaces methionine 320 with isoleucine.
Molecular consequence: missense variant.
Genome position (GRCh38, 1-based): chrX:49,228,305, C>T on the plus strand (G>A on the coding strand, the complement: CACNA1F is on the minus strand). VCF-style: chrX-49228305-C-T. GRCh37 (hg19) VCF-style: chrX-49084767-C-T.
Other names: c.960G>A (NM_005183.2); c.765G>A, p.Met255Ile (NM_001256790.3); c.960G>A, p.Met320Ile (NM_005183.4); short protein forms M255I, M320I.
Identifiers: ClinVar variation 862233 (VCV000862233.12), dbSNP rs782531308, ClinGen allele CA10410981.